The following is an entry in ClinVar:

ClinVar aggregate classification (germline): Pathogenic. Review status: reviewed by expert panel (3 of 4 stars). 9 submissions from 9 submitters: Pathogenic (1). 8 of the submissions do not count toward it. Last evaluated 2024-04-05.

Conditions:
Hyperinsulinism due to HNF4A deficiency. Also called: Congenital hyperinsulinism due to HNF4A deficiency. Identifiers: Orphanet 263455, MedGen C4274078, MONDO:0016988.
Monogenic diabetes. Identifiers: Orphanet 183625, MedGen C3888631, MONDO:0015967.
Type 2 diabetes mellitus. Also called: Type II diabetes mellitus. Identifiers: MedGen C0011860, MeSH D003924, MONDO:0005148, OMIM 125853, HP:0005978.
Maturity-onset diabetes of the young type 1. Also called: MODY, type I; MILD JUVENILE DIABETES MELLITUS; MODY type 1; Diabetes mellitus MODY type 1; MODY HNF4A related; HNF4A-Related Maturity-Onset Diabetes of the Young Type 1. Identifiers: Orphanet 552, MedGen C1852093, MONDO:0007452, OMIM 125850. Disease mechanism: loss of function.
Fanconi renotubular syndrome 4 with maturity-onset diabetes of the young (FRTS4). Also called: FRTS4 WITH MODY. Identifiers: Orphanet 93111, MedGen C4014962, MONDO:0014458, OMIM 616026.
Maturity-onset diabetes of the young (MODY). Also called: Maturity onset diabetes mellitus in young. Identifiers: Orphanet 552, MedGen C0342276, MONDO:0018911, HP:0004904.

Allele frequency attached by ClinVar (database versions not stated): gnomAD exomes below 0.00001.
gnomAD v4.1: 4 of 1,613,666 alleles (0.00025%); highest among the groups gnomAD compares: African/African-American, 0.0013%; no homozygotes.

Submissions (9):

ClinGen Monogenic Diabetes Variant Curation Expert Panel
Classification: Pathogenic for Monogenic diabetes. Last evaluated: 2024-04-05. Review status: reviewed by expert panel. Criteria: ClinGen Diabetes ACMG Specifications HNF4A V2.0.0. Collection method: curation. Allele origin: germline. Inheritance: Autosomal dominant inheritance.
Comment: The c.200G>A variant in the hepatocyte nuclear factor 4-alpha gene, HNF4A, causes an amino acid change of arginine to glutamine at codon 67 (p.(Arg67Gln)) of NM_175914.5. This variant has poor data quality in gnomAD v2.1.1 exomes but is absent in gnomAD genomes v3.0 and therefore at the discretion of the ClinGen MDEP PM2_Supporting will be applied (PM2_Supporting). This variant was identified in 17 unrelated individuals with non- autoimmune and non-absolute/near-absolute insulin-deficient diabetes (PS4; PMID:31523701, 20705777, 21353246, 29493090, internal lab contributors). At least 3 of these individuals has a clinical history highly specific for HNF4A-MODY (MODY probability calculator result >50%, negative genetic testing for HNF1A, and negative antibodies) (PP4_Moderate; PMID:20705777, internal lab contributors). This variant segregated with diabetes/hyperglycemia, with at least 10 informative meioses in five families (PP1_Strong; PMID:20705777, internal lab contributor). This variant is predicted to be deleterious by computational evidence, with a REVEL score of 0.943, which is greater than the MDEP VCEP threshold of 0.70 (PP3). It resides in an amino acid within the HNF4alpha DNA binding domain that directly binds DNA, which is defined as critical for the protein’s function by the ClinGen MDEP (PM1). Another missense variant, c.199C>T (p.(Arg67Trp)), has been classified as pathogenic by the ClinGen MDEP but has a greater Grantham distance than p.(Arg67Gln) (PM5_Supporting). In summary, the c.200G>A variant meets the criteria to be classified as pathogenic for monogenic diabetes. ACMG/AMP criteria applied, as specified by the ClinGen MDEP (specification version 2.0.0, approved 10/11/2023): PP1_Strong, PS4, PP4_Moderate, PM1, PP3, PM2_Supporting, PM5_Supporting.

Labcorp Genetics (formerly Invitae), Labcorp
Classification: Pathogenic. Last evaluated: 2026-01-26. Review status: criteria provided, single submitter. Criteria: Invitae Variant Classification Sherloc (09022015). Collection method: clinical testing. Allele origin: germline. Not counted in ClinVar's aggregate classification.
Comment: This sequence change replaces arginine, which is basic and polar, with glutamine, which is neutral and polar, at codon 67 of the HNF4A protein (p.Arg67Gln). This variant is not present in population databases (gnomAD no frequency). This missense change has been observed in individuals with HNF4A-related conditions (PMID: 20705777, 21353246, 29493090, 30977832). It has also been observed to segregate with disease in related individuals. This variant is also known as c.239g>a (p.Arg80Gln), p.Arg89Gln. ClinVar contains an entry for this variant (Variation ID: 435436). Invitae Evidence Modeling of protein sequence and biophysical properties (such as structural, functional, and spatial information, amino acid conservation, physicochemical variation, residue mobility, and thermodynamic stability) has been performed for this missense variant. However, the output from this modeling did not meet the statistical confidence thresholds required to predict the impact of this variant on HNF4A protein function. For these reasons, this variant has been classified as Pathogenic.

GeneDx
Classification: Pathogenic. Last evaluated: 2025-08-04. Review status: criteria provided, single submitter. Criteria: GeneDx Variant Classification Process June 2021. Collection method: clinical testing. Allele origin: germline. Affected: yes. Not counted in ClinVar's aggregate classification.
Comment: Not observed at significant frequency in large population cohorts (gnomAD); In silico analysis supports that this missense variant has a deleterious effect on protein structure/function; Also known as p.R80Q and p.R89Q; This variant is associated with the following publications: (PMID: 31523701, 30977832, 36208030, 29493090, 34789499, 21353246, 36257325, 20705777, 22662265, 18829458)

Women's Health and Genetics/Laboratory Corporation of America, LabCorp
Classification: Pathogenic for Maturity-onset diabetes of the young. Last evaluated: 2025-02-17. Review status: criteria provided, single submitter. Criteria: LabCorp Variant Classification Summary - May 2015. Collection method: clinical testing. Allele origin: germline. Not counted in ClinVar's aggregate classification.
Comment: Variant summary: HNF4A c.200G>A (p.Arg67Gln) results in a conservative amino acid change located in the Zinc finger, nuclear hormone receptor-type domain (IPR001628) of the encoded protein sequence. Four of five in-silico tools predict a damaging effect of the variant on protein function. The frequency data for this variant in gnomAD is considered unreliable, as metrics indicate poor data quality at this position. c.200G>A (also known as p.R80Q) has been reported in the literature in multiple individuals affected with neonatal hyperinsulinism, macrosomia, and diabetes (examples: Forlani_2010, Pingul_2011 and Johannsson_2012). These data indicate that the variant is very likely to be associated with disease. Another variant affecting the same amino acid (p.R67W) is associated with MODY in HGMD. To our knowledge, no experimental evidence demonstrating an impact on protein function has been reported. The following publications have been ascertained in the context of this evaluation (PMID: 34789499, 20705777, 22662265, 21353246). ClinVar contains an entry for this variant (Variation ID: 435436). Based on the evidence outlined above, the variant was classified as pathogenic.

Athena Diagnostics
Classification: Pathogenic. Last evaluated: 2024-08-30. Review status: criteria provided, single submitter. Criteria: Athena Diagnostics Criteria. Collection method: clinical testing. Allele origin: unknown. Not counted in ClinVar's aggregate classification.
Comment: This variant has been identified in multiple unrelated individuals with clinical features associated with this gene. This variant appears to segregate with disease in at least one family. At least one other missense variant at this codon is considered to be pathogenic or likely pathogenic, suggesting this variant may also cause disease. This variant is also referred to as p.R80Q or p.R67Q in published literature.

ARUP Laboratories, Molecular Genetics and Genomics, ARUP Laboratories
Classification: Pathogenic. Last evaluated: 2024-08-06. Review status: criteria provided, single submitter. Criteria: ARUP Molecular Germline Variant Investigation Process 2024. Collection method: clinical testing. Allele origin: germline. Not counted in ClinVar's aggregate classification.
Comment: The HNF4A c.200G>A; p.Arg67Gln variant (rs1555813319, ClinVar Variation ID: 435436), also known as Arg80Gln in traditional nomenclature and Arg89Gln for NM_000457, is reported in the literature in individuals affected with diabetes and maturity-onset diabetes of the young (Colclough 2022, Forlani 2010, Gordon 2019, Mirshahi 2022, Park 2019, Pingul 2011, Tung 2018). This variant was also found to segregate with disease in two families (Forlani 2010, Pingul 2011). This variant is absent from the Genome Aggregation Database (v2.1.1), indicating it is not a common polymorphism, but is considered a low confidence variant in the database. Computational analyses predict that this variant is deleterious (REVEL: 0.943). Based on available information, the p.Arg67Gln variant is considered to be pathogenic. References: Colclough K et al. Syndromic Monogenic Diabetes Genes Should Be Tested in Patients With a Clinical Suspicion of Maturity-Onset Diabetes of the Young. Diabetes. 2022 Mar 1;71(3):530-537. PMID: 34789499. Forlani G et al. Double heterozygous mutations involving both HNF1A/MODY3 and HNF4A/MODY1 genes: a case report. Diabetes Care. 2010 Nov;33(11):2336-8. PMID: 20705777. Gordon K et al. A Case of a 13-Year-Old Female With Maturity Onset Diabetes of the Young (MODY) Identified by School-Based Cardiovascular Screening. Glob Pediatr Health. 2019 Sep 5;6:2333794X19874215. PMID: 31523701. Mirshahi UL et al. Reduced penetrance of MODY-associated HNF1A/HNF4A variants but not GCK variants in clinically unselected cohorts. Am J Hum Genet. 2022 Nov 3;109(11):2018-2028. PMID: 36257325. Park SS et al. Identifying Pathogenic Variants of Monogenic Diabetes Using Targeted Panel Sequencing in an East Asian Population. J Clin Endocrinol Metab. 2019 Sep 1;104(9):4188-4198. PMID: 30977832. Pingul MM et al. Hepatocyte nuclear factor 4a gene mutation associated with familial neonatal hyperinsulinism and maturity-onset diabetes of the young. J Pediatr. 2011 May;158(5):852-4. PMID: 21353246. Tung JY et al. Clinical heterogeneity of hyperinsulinism due to HNF1A and HNF4A mutations. Pediatr Diabetes. 2018 Aug;19(5):910-916. PMID: 29493090.

Fulgent Genetics
Classification: Likely pathogenic for Maturity-onset diabetes of the young type 1; Type 2 diabetes mellitus; Fanconi renotubular syndrome 4 with maturity-onset diabetes of the young. Last evaluated: 2024-05-02. Review status: criteria provided, single submitter. Criteria: ACMG Guidelines, 2015. Collection method: clinical testing. Allele origin: germline. Not counted in ClinVar's aggregate classification.

Geisinger Clinic, Geisinger Health System
Classification: Pathogenic for Maturity-onset diabetes of the young type 1. Last evaluated: 2022-08-02. Review status: criteria provided, single submitter. Criteria: ACMG Guidelines, 2015. Collection method: research. Allele origin: germline. Inheritance: Autosomal dominant inheritance. Affected: yes. Observed: 1 variant allele. Not counted in ClinVar's aggregate classification.
Comment: PS4, PM2, PP3, PP1_Strong, PP4_Moderate, PM1, PM5_Supporting

Genetic Services Laboratory, University of Chicago
Classification: Likely pathogenic for Hyperinsulinism due to HNF4A deficiency. Last evaluated: 2015-10-22. Review status: criteria provided, single submitter. Criteria: ACMG Guidelines, 2015. Collection method: clinical testing. Allele origin: germline. Affected: yes. Not counted in ClinVar's aggregate classification.

Literature cited by the submitters: PubMed 20705777 (cited by 3 submitters); PubMed 21353246 (cited by 3 submitters); PubMed 29493090 (cited by Labcorp Genetics (formerly Invitae), Labcorp and Athena Diagnostics); PubMed 30977832 (cited by Labcorp Genetics (formerly Invitae), Labcorp and Athena Diagnostics); PubMed 34789499 (cited by Women's Health and Genetics/Laboratory Corporation of America, LabCorp); PubMed 22662265 (cited by Women's Health and Genetics/Laboratory Corporation of America, LabCorp and Athena Diagnostics); PubMed 31523701 (cited by Athena Diagnostics); PubMed 36257325 (cited by Geisinger Clinic, Geisinger Health System).

NM_175914.5(HNF4A):c.200G>A (p.Arg67Gln)

Gene: HNF4A (hepatocyte nuclear factor 4 alpha; plus strand). Cytogenetic location: 20q13.12.
Variant type: single nucleotide variant.
Coding change: c.200G>A on transcript NM_175914.5 (MANE Select); coding-DNA position 200, G replaced by A.
Protein change: p.Arg67Gln; replaces arginine 67 with glutamine.
Molecular consequence: missense variant.
Genome position (GRCh38, 1-based): chr20:44,406,208, G>A. VCF-style: chr20-44406208-G-A. GRCh37 (hg19) VCF-style: chr20-43034848-G-A.
Other names: NM_175914.5(HNF4A):c.200G>A; p.Arg67Gln; c.200G>A (NM_175914.3); c.266G>A, p.Arg89Gln (NM_000457.6, NM_178849.3, NM_178850.3); c.200G>A, p.Arg67Gln (NM_001030003.3, NM_001030004.3); c.245G>A, p.Arg82Gln (NM_001258355.2); c.191G>A, p.Arg64Gln (NM_001287182.2, NM_001287183.2, NM_001287184.2); c.266G>A (NM_178850.2); short protein forms R64Q, R67Q, R89Q, R82Q.
Identifiers: ClinVar variation 435436 (VCV000435436.28), dbSNP rs1555813319, ClinGen allele CA409103974.